The following is an entry in ClinVar:

NM_000051.4(ATM):c.1945G>A (p.Glu649Lys)

Gene: ATM (ATM serine/threonine kinase; plus strand). Cytogenetic location: 11q22.3.
Variant type: single nucleotide variant.
Coding change: c.1945G>A on transcript NM_000051.4 (MANE Select); coding-DNA position 1945, G replaced by A.
Protein change: p.Glu649Lys; replaces glutamic acid 649 with lysine.
Molecular consequence: missense variant.
Genome position (GRCh38, 1-based): chr11:108,253,860, G>A. VCF-style: chr11-108253860-G-A. GRCh37 (hg19) VCF-style: chr11-108124587-G-A.
Other names: c.1945G>A, p.Glu649Lys (NM_001351834.2); short protein forms E649K.
Identifiers: ClinVar variation 185857 (VCV000185857.13), dbSNP rs786202511, ClinGen allele CA193175.

ClinVar aggregate classification (germline): Uncertain significance. Review status: criteria provided, multiple submitters, no conflicts (2 of 4 stars). 3 submissions from 3 submitters: Uncertain significance (3). Last evaluated 2025-12-10.

Conditions:
Hereditary cancer-predisposing syndrome. Also called: Hereditary Cancer Syndrome; Neoplastic Syndromes, Hereditary; Tumor predisposition; Hereditary neoplastic syndrome. Identifiers: Orphanet 140162, MedGen C0027672, MeSH D009386, MONDO:0015356.
Ataxia-telangiectasia syndrome (AT). Also called: Ataxia-telangiectasia, complementation group D; AT, COMPLEMENTATION GROUP C; ATAXIA-TELANGIECTASIA, COMPLEMENTATION GROUP A; ATAXIA-TELANGIECTASIA, FRESNO VARIANT; Ataxia-telangiectasia; LOUIS-BAR SYNDROME. Identifiers: Orphanet 100, MedGen C0004135, MONDO:0008840, OMIM 208900.

Submissions (3):

Labcorp Genetics (formerly Invitae), Labcorp
Classification: Uncertain significance for Ataxia-telangiectasia syndrome. Last evaluated: 2025-12-10. Review status: criteria provided, single submitter. Criteria: Invitae Variant Classification Sherloc (09022015). Collection method: clinical testing. Allele origin: germline.
Comment: This sequence change replaces glutamic acid, which is acidic and polar, with lysine, which is basic and polar, at codon 649 of the ATM protein (p.Glu649Lys). This variant is not present in population databases (gnomAD no frequency). This missense change has been observed in individual(s) with cerebellar ataxia (PMID: 31429931). ClinVar contains an entry for this variant (Variation ID: 185857). Invitae Evidence Modeling of protein sequence and biophysical properties (such as structural, functional, and spatial information, amino acid conservation, physicochemical variation, residue mobility, and thermodynamic stability) indicates that this missense variant is not expected to disrupt ATM protein function with a negative predictive value of 95%. In summary, the available evidence is currently insufficient to determine the role of this variant in disease. Therefore, it has been classified as a Variant of Uncertain Significance.

Ambry Genetics
Classification: Uncertain significance for Hereditary cancer-predisposing syndrome. Last evaluated: 2025-06-26. Review status: criteria provided, single submitter. Criteria: Ambry Variant Classification Scheme 2023. Collection method: clinical testing. Allele origin: germline.
Comment: The p.E649K variant (also known as c.1945G>A), located in coding exon 12 of the ATM gene, results from a G to A substitution at nucleotide position 1945. The glutamic acid at codon 649 is replaced by lysine, an amino acid with similar properties. This amino acid position is highly conserved in available vertebrate species. In addition, this alteration is predicted to be tolerated by in silico analysis. Since supporting evidence is limited at this time, the clinical significance of this alteration remains unclear.

Color Diagnostics, LLC DBA Color Health
Classification: Uncertain significance for Hereditary cancer-predisposing syndrome. Last evaluated: 2018-12-09. Review status: criteria provided, single submitter. Criteria: ACMG Guidelines, 2015. Collection method: clinical testing. Allele origin: germline.

Literature cited by the submitters: PubMed 31429931 (cited by Labcorp Genetics (formerly Invitae), Labcorp).